The following is an entry in ClinVar:

NM_000492.4(CFTR):c.2687_2690delinsTGAGTACTATGAG (p.Thr896_His897delinsMetSerThrMetSer)

Gene: CFTR (CF transmembrane conductance regulator; plus strand). Cytogenetic location: 7q31.2.
Variant type: Indel.
Coding change: c.2687_2690delinsTGAGTACTATGAG on transcript NM_000492.4 (MANE Select); coding-DNA positions 2687 to 2690, CTCA replaced by TGAGTACTATGAG.
Protein change: p.Thr896_His897delinsMetSerThrMetSer.
Molecular consequence: inframe indel.
Genome position (GRCh38, 1-based): chr7:117,603,561-117,603,564, CTCA replaced by TGAGTACTATGAG. VCF-style: chr7-117603561-CTCA-TGAGTACTATGAG. GRCh37 (hg19) VCF-style: chr7-117243615-CTCA-TGAGTACTATGAG.
Other names: c.2687_2690delCTCAinsTGAGTACTATGAG (NM_000492.3).
Identifiers: ClinVar variation 1794735 (VCV001794735.4), dbSNP rs397508420, ClinGen allele CA326890.

ClinVar aggregate classification (germline): Uncertain significance. Review status: criteria provided, multiple submitters, no conflicts (2 of 4 stars). 2 submissions from 2 submitters: Uncertain significance (2). Last evaluated 2024-05-09.

Conditions:
Cystic fibrosis (CF). Also called: MUCOVISCIDOSIS. Identifiers: Orphanet 586, MedGen C0010674, MONDO:0009061, OMIM 219700. Disease mechanism: loss of function.

Submissions (2):

Labcorp Genetics (formerly Invitae), Labcorp
Classification: Uncertain significance for Cystic fibrosis. Last evaluated: 2024-05-09. Review status: criteria provided, single submitter. Criteria: Invitae Variant Classification Sherloc (09022015). Collection method: clinical testing. Allele origin: germline.
Comment: This variant, c.2687_2690delinsTGAGTACTATGAG, is a complex sequence change that results in the deletion of 2 and insertion of 5 amino acid(s) in the CFTR protein (p.Thr896_His897delinsMetSerThrMetSer). Information on the frequency of this variant in the gnomAD database is not available, as this variant may be reported differently in the database. This variant has been observed in individual(s) with congenital absence of vas deferens. Experimental studies and prediction algorithms are not available or were not evaluated, and the functional significance of this variant is currently unknown. In summary, the available evidence is currently insufficient to determine the role of this variant in disease. Therefore, it has been classified as a Variant of Uncertain Significance.

Ambry Genetics
Classification: Uncertain significance for Cystic fibrosis. Last evaluated: 2021-06-24. Review status: criteria provided, single submitter. Criteria: Ambry Variant Classification Scheme 2023. Collection method: clinical testing. Allele origin: germline.
Comment: The c.2687_2690delCTCAins13 variant (also known as p.T896_H897delinsMSTMS), located in coding exon 17 of the CFTR gene, results from an in-frame deletion of CTCA and insertion of TGAGTACTATGAG at nucleotide positions 2687 to 2690. This results in the substitution of methionine and serine for threonine and histidine residues at codon 896 and 897, followed by an insertion of threonine, methionine and serine at codons 898-900. This nucleotide region is not well conserved. In addition, the in silico prediction for this alteration is inconclusive (Choi Y et al. PLoS ONE. 2012; 7(10):e46688). Since supporting evidence is limited at this time, the clinical significance of this alteration remains unclear.